The following is an entry in ClinVar:

NM_000138.5(FBN1):c.2420-58del

Gene: FBN1 (fibrillin 1; minus strand). Cytogenetic location: 15q21.1.
Variant type: Deletion.
Coding change: c.2420-58del on transcript NM_000138.5 (MANE Select); 58 bases into the intron before coding-DNA position 2420, one base deleted (T; older notation c.2420-58delT).
Molecular consequence: intron variant.
Genome position (GRCh38, 1-based): chr15:48,495,646, A deleted on the plus strand (T on the coding strand, the reverse complement: FBN1 is on the minus strand). VCF-style (leftmost placement, unchanged base first): chr15-48495645-TA-T. GRCh37 (hg19) VCF-style: chr15-48787842-TA-T.
Other names: c.2420-58delT (NM_000138.4).
Identifiers: ClinVar variation 36048 (VCV000036048.3), dbSNP rs149403312, ClinGen allele CA013021.

ClinVar aggregate classification (germline): Conflicting classifications of pathogenicity. Review status: criteria provided, conflicting classifications (1 of 4 stars). 2 submissions from 2 submitters: Uncertain significance (1); Benign (1). Last evaluated 2018-06-14.

Conditions:
Marfan syndrome (MFS). Also called: FBN1-Related Marfan Syndrome; Marfan syndrome type 1; Marfan's syndrome; Marfan syndrome, classic; MARFAN SYNDROME, TYPE I. Identifiers: Orphanet 284963, Orphanet 558, MedGen C0024796, MONDO:0007947, OMIM 154700.

Allele frequency attached by ClinVar (database versions not stated): gnomAD 0.01826 and 0.01710; 1000 Genomes Project 0.01977; 1000 Genomes Project 30x 0.01999; gnomAD exomes 0.00428; TOPMed 0.01851.

Submissions (2):

GeneDx
Classification: Benign. Last evaluated: 2018-06-14. Review status: criteria provided, single submitter. Criteria: GeneDx Variant Classification (06012015). Collection method: clinical testing. Allele origin: germline. Affected: yes.
Comment: This variant is considered likely benign or benign based on one or more of the following criteria: it is a conservative change, it occurs at a poorly conserved position in the protein, it is predicted to be benign by multiple in silico algorithms, and/or has population frequency not consistent with disease.

Women's Health and Genetics/Laboratory Corporation of America, LabCorp
Classification: Uncertain significance for Marfan Syndrome. Last evaluated: 2011-08-18. Review status: criteria provided, single submitter. Criteria: LabCorp Variant Classification Summary - May 2015. Collection method: curation. Allele origin: germline. Inheritance: autosomal unknown. Affected: yes.
ClinVar note: Converted during submission from uncertain to Uncertain significance.